The following is an entry in ClinVar:

ClinVar aggregate classification (germline): Uncertain significance (1 of 4 stars; one submission).

Conditions:
Gorlin syndrome. Also called: Basal cell nevus syndrome; Nevoid Basal Cell Carcinoma Syndrome. Identifiers: Orphanet 377, MedGen C0004779, MONDO:0007187.

Submission:

Labcorp Genetics (formerly Invitae), Labcorp
Classification: Uncertain significance for Gorlin syndrome. Last evaluated: 2024-03-02. Review status: criteria provided, single submitter. Criteria: Invitae Variant Classification Sherloc (09022015). Collection method: clinical testing. Allele origin: germline.
Comment: This sequence change replaces tryptophan, which is neutral and slightly polar, with serine, which is neutral and polar, at codon 78 of the PTCH1 protein (p.Trp78Ser). This variant is not present in population databases (gnomAD no frequency). This variant has not been reported in the literature in individuals affected with PTCH1-related conditions. Advanced modeling of protein sequence and biophysical properties (such as structural, functional, and spatial information, amino acid conservation, physicochemical variation, residue mobility, and thermodynamic stability) performed at Invitae indicates that this missense variant is expected to disrupt PTCH1 protein function with a positive predictive value of 80%. In summary, the available evidence is currently insufficient to determine the role of this variant in disease. Therefore, it has been classified as a Variant of Uncertain Significance.

NM_000264.5(PTCH1):c.233G>C (p.Trp78Ser)

Gene: PTCH1 (patched 1; minus strand). Cytogenetic location: 9q22.32.
Variant type: single nucleotide variant.
Coding change: c.233G>C on transcript NM_000264.5 (MANE Select); coding-DNA position 233, G replaced by C.
Protein change: p.Trp78Ser; replaces tryptophan 78 with serine.
Molecular consequence: missense variant. On other transcripts: 5 prime UTR variant (4), non-coding transcript variant (1).
Genome position (GRCh38, 1-based): chr9:95,506,568, C>G on the plus strand (G>C on the coding strand, the complement: PTCH1 is on the minus strand). VCF-style: chr9-95506568-C-G. GRCh37 (hg19) VCF-style: chr9-98268850-C-G.
Other names: c.35G>C, p.Trp12Ser (NM_001083602.3, NM_001354919.2); c.230G>C, p.Trp77Ser (NM_001083603.3); c.-221G>C (NM_001083604.3, NM_001083605.3, NM_001083606.3 and 1 more transcripts); c.233G>C, p.Trp78Ser (NM_001354918.2); short protein forms W12S, W77S, W78S.
Identifiers: ClinVar variation 3619203 (VCV003619203.2).
Genomic context (GRCh38, chr9:95,506,568, plus strand): 5'-CAGTTTTTTTGAATGTAACAACCCAGTTTAAATAAGAGTCTCTGAAACTTCGCTCTCAGC[C>G]ACAGCGGCGCTTTCCGGCCAGTAGCCTTCCCCTGGGGACGAAGCAGAAGGGAGGAGTGAG-3'
Protein context (NP_000255.2, residues 68-88): GKATGRKAPL[Trp78Ser]LRAKFQRLLF